The following is an entry in ClinVar:

ClinVar aggregate classification (germline): Uncertain significance (1 of 4 stars; one submission).

gnomAD v4.1: 1 of 1,614,014 alleles (0.000062%); highest among the groups gnomAD compares: Admixed American, 0.0017%; no homozygotes.

Submission:

Labcorp Genetics (formerly Invitae), Labcorp
Classification: Uncertain significance. Last evaluated: 2024-09-03. Review status: criteria provided, single submitter. Criteria: Invitae Variant Classification Sherloc (09022015). Collection method: clinical testing. Allele origin: germline.
Comment: This sequence change replaces phenylalanine, which is neutral and non-polar, with leucine, which is neutral and non-polar, at codon 470 of the HYOU1 protein (p.Phe470Leu). This variant is not present in population databases (gnomAD no frequency). This variant has not been reported in the literature in individuals affected with HYOU1-related conditions. An algorithm developed to predict the effect of missense changes on protein structure and function (PolyPhen-2) suggests that this variant is likely to be disruptive. In summary, the available evidence is currently insufficient to determine the role of this variant in disease. Therefore, it has been classified as a Variant of Uncertain Significance.

NM_006389.5(HYOU1):c.1408T>C (p.Phe470Leu)

Gene: HYOU1 (hypoxia up-regulated 1; minus strand). Cytogenetic location: 11q23.3.
Variant type: single nucleotide variant.
Coding change: c.1408T>C on transcript NM_006389.5 (MANE Select); coding-DNA position 1408, T replaced by C.
Protein change: p.Phe470Leu; replaces phenylalanine 470 with leucine.
Molecular consequence: missense variant.
Genome position (GRCh38, 1-based): chr11:119,051,556, A>G on the plus strand (T>C on the coding strand, the complement: HYOU1 is on the minus strand). VCF-style: chr11-119051556-A-G. GRCh37 (hg19) VCF-style: chr11-118922268-A-G.
Other names: c.1408T>C, p.Phe470Leu (NM_001130991.3, NM_001411041.1); short protein forms F470L.
Identifiers: ClinVar variation 3687479 (VCV003687479.2).